The following is an entry in ClinVar:

NM_014795.4(ZEB2):c.3068-3C>G

Gene: ZEB2 (zinc finger E-box binding homeobox 2; minus strand). Cytogenetic location: 2q22.3.
Variant type: single nucleotide variant.
Coding change: c.3068-3C>G on transcript NM_014795.4 (MANE Select); 3 bases into the intron before coding-DNA position 3068, C replaced by G.
Molecular consequence: intron variant.
Genome position (GRCh38, 1-based): chr2:144,390,031, G>C on the plus strand (C>G on the coding strand, the complement: ZEB2 is on the minus strand). VCF-style: chr2-144390031-G-C. GRCh37 (hg19) VCF-style: chr2-145147598-G-C.
Other names: c.2996-3C>G (NM_001171653.2).
Identifiers: ClinVar variation 1305874 (VCV001305874.2), dbSNP rs1703135967, ClinGen allele CA2573051655.

ClinVar aggregate classification (germline): Uncertain significance (1 of 4 stars; one submission).

Submission:

GeneDx
Classification: Uncertain significance. Last evaluated: 2019-05-16. Review status: criteria provided, single submitter. Criteria: GeneDx Variant Classification Process June 2021. Collection method: clinical testing. Allele origin: germline. Affected: yes.
Comment: Not observed in large population cohorts (Lek et al., 2016); In silico analysis, which includes splice predictors and evolutionary conservation, supports a deleterious effect; Has not been previously published as pathogenic or benign to our knowledge